The following is an entry in ClinVar:

NM_002474.3(MYH11):c.3568C>T (p.His1190Tyr)

Gene: MYH11 (myosin heavy chain 11; minus strand). Cytogenetic location: 16p13.11.
Variant type: single nucleotide variant.
Coding change: c.3568C>T on transcript NM_002474.3 (MANE Select); coding-DNA position 3568, C replaced by T.
Protein change: p.His1190Tyr; replaces histidine 1190 with tyrosine.
Molecular consequence: missense variant.
Genome position (GRCh38, 1-based): chr16:15,732,647, G>A on the plus strand (C>T on the coding strand, the complement: MYH11 is on the minus strand). VCF-style: chr16-15732647-G-A. GRCh37 (hg19) VCF-style: chr16-15826504-G-A.
Other names: c.3589C>T, p.His1197Tyr (NM_001040113.2, NM_001040114.2); c.3568C>T, p.His1190Tyr (NM_022844.3); short protein forms H1190Y, H1197Y.
Identifiers: ClinVar variation 1677547 (VCV001677547.5), dbSNP rs371629304, ClinGen allele CA278618688.

ClinVar aggregate classification (germline): Uncertain significance. Review status: criteria provided, multiple submitters, no conflicts (2 of 4 stars). 5 submissions from 5 submitters: Uncertain significance (5). Last evaluated 2025-07-27.

Conditions:
Familial thoracic aortic aneurysm and aortic dissection (TAAD). Also called: Thoracic aortic aneurysms and dissections. Identifiers: Orphanet 91387, MedGen C4707243, MONDO:0019625.
Aortic aneurysm, familial thoracic 4 (AAT4). Also called: AORTIC ANEURYSM/AORTIC DISSECTION AND PATENT DUCTUS ARTERIOSUS. Identifiers: MedGen C1851504, MONDO:0007568, OMIM 132900.

Allele frequency attached by ClinVar (database versions not stated): TOPMed 0.00002; ESP Exome Variant Server 0.00008; gnomAD exomes below 0.00001.
gnomAD v4.1: 1 of 1,614,220 alleles (0.000062%); highest among the groups gnomAD compares: Non-Finnish European, 0.000085%; no homozygotes.

Submissions (5):

Labcorp Genetics (formerly Invitae), Labcorp
Classification: Uncertain significance for Aortic aneurysm, familial thoracic 4. Last evaluated: 2025-07-27. Review status: criteria provided, single submitter. Criteria: Invitae Variant Classification Sherloc (09022015). Collection method: clinical testing. Allele origin: germline.
Comment: This sequence change replaces histidine, which is basic and polar, with tyrosine, which is neutral and polar, at codon 1197 of the MYH11 protein (p.His1197Tyr). This variant is present in population databases (rs371629304, gnomAD 0.0009%). This variant has not been reported in the literature in individuals affected with MYH11-related conditions. ClinVar contains an entry for this variant (Variation ID: 1677547). Invitae Evidence Modeling of protein sequence and biophysical properties (such as structural, functional, and spatial information, amino acid conservation, physicochemical variation, residue mobility, and thermodynamic stability) indicates that this missense variant is not expected to disrupt MYH11 protein function with a negative predictive value of 95%. In summary, the available evidence is currently insufficient to determine the role of this variant in disease. Therefore, it has been classified as a Variant of Uncertain Significance.

Color Diagnostics, LLC DBA Color Health
Classification: Uncertain significance for Familial thoracic aortic aneurysm and aortic dissection. Last evaluated: 2025-06-29. Review status: criteria provided, single submitter. Criteria: ACMG Guidelines, 2015. Collection method: clinical testing. Allele origin: germline.
Comment: This missense variant replaces histidine with tyrosine at codon 1197 of the MYH11 protein. Computational prediction suggests that this variant may have deleterious impact on protein structure and function. To our knowledge, functional studies have not been reported for this variant. This variant has not been reported in individuals affected with MYH11-related disorders in the literature. This variant has been identified in 1/251446 chromosomes in the general population by the Genome Aggregation Database (gnomAD). The available evidence is insufficient to determine the role of this variant in disease conclusively. Therefore, this variant is classified as a Variant of Uncertain Significance.

All of Us Research Program, National Institutes of Health
Classification: Uncertain significance for Familial thoracic aortic aneurysm and aortic dissection. Last evaluated: 2023-07-10. Review status: criteria provided, single submitter. Criteria: ACMG Guidelines, 2015. Collection method: clinical testing. Allele origin: germline. Inheritance: Autosomal dominant inheritance. Observed: 1 variant allele, 1 heterozygote.
Comment: This missense variant replaces histidine with tyrosine at codon 1197 of the MYH11 protein. Computational prediction suggests that this variant may have deleterious impact on protein structure and function (internally defined REVEL score threshold >= 0.7, PMID: 27666373). To our knowledge, functional studies have not been reported for this variant. This variant has not been reported in individuals affected with MYH11-related disorders in the literature. This variant has been identified in 1/251446 chromosomes in the general population by the Genome Aggregation Database (gnomAD). The available evidence is insufficient to determine the role of this variant in disease conclusively. Therefore, this variant is classified as a Variant of Uncertain Significance.

This study involves interpretation of variants in research participants for the purpose of population health screening. Participant phenotype was not available at the time of variant classification. Additional details can be found in publication PMID: 35346344, PMCID: PMC8962531

AiLife Diagnostics
Classification: Uncertain significance. Last evaluated: 2021-10-05. Review status: criteria provided, single submitter. Criteria: ACMG Guidelines, 2015. Collection method: clinical testing. Allele origin: germline. Affected: yes. Observed: 1 variant allele.

Ambry Genetics
Classification: Uncertain significance for Familial thoracic aortic aneurysm and aortic dissection. Last evaluated: 2021-06-25. Review status: criteria provided, single submitter. Criteria: Ambry Variant Classification Scheme 2023. Collection method: clinical testing. Allele origin: germline.
Comment: The p.H1190Y variant (also known as c.3568C>T), located in coding exon 26 of the MYH11 gene, results from a C to T substitution at nucleotide position 3568. The histidine at codon 1190 is replaced by tyrosine, an amino acid with similar properties. This amino acid position is conserved. In addition, the in silico prediction for this alteration is inconclusive. Since supporting evidence is limited at this time, the clinical significance of this alteration remains unclear.